The following is an entry in ClinVar:

ClinVar aggregate classification (germline): Uncertain significance (1 of 4 stars; one submission).

Conditions:
Rhabdoid tumor predisposition syndrome 2 (RTPS2). Identifiers: Orphanet 231108, Orphanet 69077, MedGen C2750074, MONDO:0013224, OMIM 613325.

Submission:

Labcorp Genetics (formerly Invitae), Labcorp
Classification: Uncertain significance for Rhabdoid tumor predisposition syndrome 2. Last evaluated: 2023-10-15. Review status: criteria provided, single submitter. Criteria: Invitae Variant Classification Sherloc (09022015). Collection method: clinical testing. Allele origin: germline.
Comment: This sequence change replaces proline, which is neutral and non-polar, with histidine, which is basic and polar, at codon 299 of the SMARCA4 protein (p.Pro299His). This variant is not present in population databases (gnomAD no frequency). This variant has not been reported in the literature in individuals affected with SMARCA4-related conditions. Advanced modeling of protein sequence and biophysical properties (such as structural, functional, and spatial information, amino acid conservation, physicochemical variation, residue mobility, and thermodynamic stability) has been performed at Invitae for this missense variant, however the output from this modeling did not meet the statistical confidence thresholds required to predict the impact of this variant on SMARCA4 protein function. In summary, the available evidence is currently insufficient to determine the role of this variant in disease. Therefore, it has been classified as a Variant of Uncertain Significance.

NM_003072.5(SMARCA4):c.896C>A (p.Pro299His)

Gene: SMARCA4 (SWI/SNF related BAF chromatin remodeling complex subunit ATPase 4; plus strand). Cytogenetic location: 19p13.2.
Variant type: single nucleotide variant.
Coding change: c.896C>A on transcript NM_003072.5 (MANE Select); coding-DNA position 896, C replaced by A.
Protein change: p.Pro299His; replaces proline 299 with histidine.
Molecular consequence: missense variant. On other transcripts: non-coding transcript variant (1).
Genome position (GRCh38, 1-based): chr19:10,987,702, C>A. VCF-style: chr19-10987702-C-A. GRCh37 (hg19) VCF-style: chr19-11098378-C-A.
Other names: c.896C>A, p.Pro299His (NM_001128844.3, NM_001128845.2, NM_001128846.2 and 6 more transcripts); short protein forms P299H.
Identifiers: ClinVar variation 2768607 (VCV002768607.3), dbSNP rs770464856, ClinGen allele CA404058414.